The following is an entry in ClinVar:

ClinVar aggregate classification (germline): Likely benign (1 of 4 stars; one submission).

Allele frequency attached by ClinVar (database versions not stated): ESP Exome Variant Server 0.00015; 1000 Genomes Project 30x 0.00016; 1000 Genomes Project 0.00020.
gnomAD v4.1: 282 of 1,613,708 alleles (0.017%); highest among the groups gnomAD compares: Middle Eastern, 0.083%; 2 homozygotes.

Submission:

CeGaT Center for Human Genetics Tuebingen
Classification: Likely benign. Last evaluated: 2023-10-01. Review status: criteria provided, single submitter. Criteria: CeGaT Center For Human Genetics Tuebingen Variant Classification Criteria Version 2. Collection method: clinical testing. Allele origin: germline. Affected: yes. Observed: 1 variant allele.
Comment: SORCS3: BP7

NM_014978.3(SORCS3):c.2080C>A (p.Arg694=)

Gene: SORCS3 (sortilin related VPS10 domain containing receptor 3; plus strand). Cytogenetic location: 10q25.1.
Variant type: single nucleotide variant.
Coding change: c.2080C>A on transcript NM_014978.3 (MANE Select); coding-DNA position 2080, C replaced by A.
Protein change: p.Arg694=; no amino-acid change (arginine 694 retained).
Molecular consequence: synonymous variant.
Genome position (GRCh38, 1-based): chr10:105,200,069, C>A. VCF-style: chr10-105200069-C-A. GRCh37 (hg19) VCF-style: chr10-106959827-C-A.
Identifiers: ClinVar variation 2640819 (VCV002640819.24), dbSNP rs202188584, ClinGen allele CA5683822.